The following is an entry in ClinVar:

ClinVar aggregate classification (germline): Pathogenic/Likely pathogenic. Review status: criteria provided, multiple submitters, no conflicts (2 of 4 stars). 93 submissions from 83 submitters: Pathogenic (64); Likely pathogenic (5). 24 of the submissions do not count toward it. Last evaluated 2026-08-28.

Conditions:
Pleomorphic xanthoastrocytoma BRAF mutant. Identifiers: MedGen CN377565, MONDO:0956983.
Inherited polyposis and early onset colorectal cancer - germline testing.
MUTYH-related disorder. Also called: MUTYH-related disorders; MUTYH-related condition.
Small intestine carcinoid. Identifiers: MedGen C1868072, HP:0006722.
Ependymoma. Also called: Ependymoma, familial; Clear cell ependymoma (histologic variant); Papillary ependymoma (histologic variant); Cellular ependymoma (histologic variant); Tanycytic ependymoma (histologic variant). Identifiers: Orphanet 251636, MedGen C0014474, MeSH D004806, MONDO:0016698, HP:0002888.
Familial adenomatous polyposis 2. Also called: ADENOMAS, MULTIPLE COLORECTAL, AUTOSOMAL RECESSIVE; MUTYH Polyposis; Adenomas, multiple colorectal; FAP type 2; MYH-associated polyposis; MUTYH-related attenuated familial adenomatous polyposis. Identifiers: Orphanet 220460, Orphanet 247798, MedGen C3272841, MONDO:0012041, OMIM 608456.
Gastric cancer. Also called: Malignant tumor of stomach; Stomach cancer. Identifiers: MedGen C0024623, MeSH D013274, MONDO:0001056, OMIM 613659, HP:0012126.
Classic or attenuated familial adenomatous polyposis. Identifiers: MedGen CN372698, MONDO:0021057.
Infant-type hemispheric glioma. Identifiers: Orphanet 695136, MedGen C5669919, MONDO:0858940.
Diffuse midline glioma, H3 K27-altered. Identifiers: MedGen C5669877, MONDO:1060171.
Neoplasm of stomach. Also called: Stomach Neoplasms; Gastric neoplasm; Neoplasm of the stomach. Identifiers: MedGen C0038356, MONDO:0021085, HP:0006753. Disease mechanism: gain of function. Inheritance: Somatic mutation.
Hereditary cancer-predisposing syndrome. Also called: Neoplastic Syndromes, Hereditary; Tumor predisposition; Hereditary Cancer Syndrome; Hereditary neoplastic syndrome. Identifiers: Orphanet 140162, MedGen C0027672, MeSH D009386, MONDO:0015356.
Pilomatrixoma (PTR). Also called: PILOMATRICOMA; EPITHELIOMA CALCIFICANS OF MALHERBE; Pilomatricoma, somatic. Identifiers: Orphanet 91414, MedGen C0206711, MeSH D018296, MONDO:0007564, OMIM 132600, HP:0030434.
Pilocytic astrocytoma. Also called: Pilocytic astrocytoma, somatic. Identifiers: Orphanet 251612, MedGen C0334583, MONDO:0016691, HP:0033680.
Carcinoma of colon (CRC). Also called: Colon carcinoma; Colonic carcinoma. Identifiers: MedGen C0699790, MONDO:0002032.
Familial colorectal cancer. Identifiers: MedGen CN280943, MONDO:0023113. Disease mechanism: loss of function.
Colorectal adenomatous polyposis, autosomal recessive, with pilomatricomas. Identifiers: MedGen CN068899.
Familial cancer of breast. Also called: Hereditary breast cancer; BREAST CANCER, FAMILIAL; hereditary breast carcinoma. Identifiers: Orphanet 227535, MedGen C0346153, MONDO:0016419, OMIM 114480. Disease mechanism: loss of function.
Colon cancer. Also called: Malignant tumor of colon. Identifiers: MedGen C0007102, MONDO:0021063, HP:0003003.
Breast carcinoma. Also called: Carcinoma of breast. Identifiers: MedGen C0678222, MONDO:0004989, HP:0003002.
Endometrial cancer. Also called: malignant endometrial neoplasm; Endometrial cancer, somatic. Identifiers: MedGen C0007103, MONDO:0011962.
Ovarian carcinoma. Identifiers: MedGen C4721610, MONDO:0005140, HP:0025318.

Allele frequency attached by ClinVar (database versions not stated): 1000 Genomes Project 0.00240; ExAC 0.00280; gnomAD 0.00335 and 0.00341; 1000 Genomes Project 30x 0.00312; gnomAD exomes 0.00303; TOPMed 0.00371.

Submissions 1 to 10 of 93:

PreventionGenetics, part of Exact Sciences
Classification: Pathogenic for MUTYH-related condition. Last evaluated: 2026-08-28. Review status: criteria provided, single submitter. Criteria: ACMG Guidelines, 2015. Collection method: clinical testing. Allele origin: germline.
Comment: The MUTYH c.1187G>A variant is predicted to result in the amino acid substitution p.Gly396Asp. This variant, alternatively described as “G382D" or "Gly382Asp” on the NM_001048171 transcript, is one of the most common pathogenic variants in MUTYH-associated polyposis (MAP) (Plotz et al. 2012. PubMed ID: 22473953; Olfson et al. 2015. PubMed ID: 26332594; Fabišíková et al. 2020. PubMed ID: 33384714; Daans et al. 2020. PubMed ID: 32088803; Curia et al. 2020. PubMed ID: 32821650). Functional (in vitro) studies of this variant have shown that it negatively affects protein function (Al-Tassan et al. 2002. PubMed ID: 11818965; Goto et al. 2010. PubMed ID: 20848659). This variant has been reported with a subpopulation frequency up to ~0.5%, including three homozygotes, in gnomAD. In ClinVar, the vast majority of clinical laboratories have classified this variant as pathogenic (Variation ID: 5294). Based on the collective evidence, we interpret this variant as pathogenic.

CeGaT Center for Human Genetics Tuebingen
Classification: Pathogenic. Last evaluated: 2026-07-01. Review status: criteria provided, single submitter. Criteria: CeGaT Center For Human Genetics Tuebingen Variant Classification Criteria Version 2. Collection method: clinical testing. Allele origin: germline. Affected: yes. Observed: 90 variant alleles.
Comment: MUTYH: PS3, PM1, PM3, PM2:Supporting, PP3

Labcorp Genetics (formerly Invitae), Labcorp
Classification: Pathogenic for Familial adenomatous polyposis 2. Last evaluated: 2026-02-03. Review status: criteria provided, single submitter. Criteria: Invitae Variant Classification Sherloc (09022015). Collection method: clinical testing. Allele origin: germline.
Comment: This sequence change replaces glycine, which is neutral and non-polar, with aspartic acid, which is acidic and polar, at codon 396 of the MUTYH protein (p.Gly396Asp). This variant is present in population databases (rs36053993, gnomAD 0.5%), including at least one homozygous and/or hemizygous individual. This variant is a known common cause of MUTYH-associated polyposis (PMID: 23035301). It has been reported to co-segregate in an autosomal recessive manner with disease in individuals affected with colorectal cancer and polyposis (with polyp numbers ranging from 10 to >100) (PMID: 11818965, 16557584, 17489848, 19793053). This variant is also known as c.1145G>A (p.Gly382Asp). ClinVar contains an entry for this variant (Variation ID: 5294). An algorithm developed to predict the effect of missense changes on protein structure and function (PolyPhen-2) suggests that this variant is likely to be disruptive. Experimental studies have shown that this missense change affects MUTYH function (PMID: 15987719, 18534194, 20848659, 23108399). For these reasons, this variant has been classified as Pathogenic.

Center for Genomic Medicine, Rigshospitalet, Copenhagen University Hospital
Classification: Pathogenic. Last evaluated: 2025-12-29. Review status: criteria provided, single submitter. Criteria: ACMG Guidelines, 2015. Collection method: clinical testing. Allele origin: germline.

Department of Clinical Genetics, Copenhagen University Hospital, Rigshospitalet
Classification: Pathogenic for Familial adenomatous polyposis 2. Last evaluated: 2025-11-18. Review status: criteria provided, single submitter. Criteria: ACMG Guidelines, 2015. Collection method: clinical testing. Allele origin: germline. Affected: yes.
Comment: The following ACMG criteria has been used: PM3_Very_Strong; PP3_MOD (Revel score > 0.773)

Catlab - Consorci Sanitari de Terrassa
Classification: Pathogenic for Hereditary cancer-predisposing syndrome. Last evaluated: 2025-10-27. Review status: criteria provided, single submitter. Criteria: ACMG Guidelines, 2015. Collection method: clinical testing. Allele origin: germline.
Comment: Based on the currently available information, this variant is classified as Pathogenic according to ACMG Richards 2015 guidelines. ACMG criteria: PM3_strong, PS3, PS4, PP3_strong.

Praxis Für Humangenetik, Biosciencia MVZ Labor Saar
Classification: Pathogenic for Hereditary cancer-predisposing syndrome. Last evaluated: 2025-10-15. Review status: criteria provided, single submitter. Criteria: ACMG Guidelines, 2015. Collection method: clinical testing. Allele origin: germline. Affected: yes.

Laboratorio de I+D, Fundación Centro Médico de Asturias
Classification: Pathogenic for Hereditary cancer-predisposing syndrome. Last evaluated: 2025-07-13. Review status: criteria provided, single submitter. Criteria: ACMG Guidelines, 2015. Collection method: clinical testing. Allele origin: germline.
Comment: PM3_VeryStrong+PP3_VeryStrong+PS3_Moderate+PP1_Strong

Mayo Clinic Laboratories, Mayo Clinic
Classification: Pathogenic. Last evaluated: 2025-06-18. Review status: criteria provided, single submitter. Criteria: ACMG Guidelines, 2015. Collection method: clinical testing. Allele origin: germline. Observed: 24 variant alleles.
Comment: PP1_strong, PP4, PM3, PS3_supporting, PS4_moderate

Unidad de Genética Molecular HGU Elche, Hospital General Universitario de Elche
Classification: Pathogenic for Hereditary cancer-predisposing syndrome. Last evaluated: 2025-05-05. Review status: criteria provided, single submitter. Criteria: ACMG Guidelines, 2015. Collection method: clinical testing. Allele origin: germline. Affected: yes.
Comment: PP5 very strong; PP3 strong; PS3 moderate; PM5 moderate

NM_001048174.2(MUTYH):c.1103G>A (p.Gly368Asp)

Gene: MUTYH (mutY DNA glycosylase; minus strand). Cytogenetic location: 1p34.1.
Variant type: single nucleotide variant.
Coding change: c.1103G>A on transcript NM_001048174.2 (MANE Select); coding-DNA position 1103, G replaced by A.
Protein change: p.Gly368Asp; replaces glycine 368 with aspartic acid.
Molecular consequence: missense variant. On other transcripts: non-coding transcript variant (2).
Genome position (GRCh38, 1-based): chr1:45,331,556, C>T on the plus strand (G>A on the coding strand, the complement: MUTYH is on the minus strand). VCF-style: chr1-45331556-C-T. GRCh37 (hg19) VCF-style: chr1-45797228-C-T.
Other names: p.G382D:GGT>GAT; c.1103G>A, p.Gly368Asp (NM_001048171.2, NM_001048173.2, NM_001293195.2); c.1106G>A, p.Gly369Asp (NM_001048172.2); c.1187G>A, p.Gly396Asp (NM_001128425.2); c.1148G>A, p.Gly383Asp (NM_001293190.2); c.1136G>A, p.Gly379Asp (NM_001293191.2); c.827G>A, p.Gly276Asp (NM_001293192.2, NM_001293196.2); c.758G>A, p.Gly253Asp (NM_001350650.2, NM_001350651.2); and 2 more; short protein forms G382D, G396D, G276D, G393D, G369D, G368D, G383D, G253D.
Identifiers: ClinVar variation 5294 (VCV000005294.157), dbSNP rs36053993, ClinGen allele CA011561.